The following is an entry in ClinVar:

ClinVar aggregate classification (germline): Likely benign. Review status: criteria provided, multiple submitters, no conflicts (2 of 4 stars). 3 submissions from 3 submitters: Likely benign (3). Last evaluated 2025-11-01.

Allele frequency attached by ClinVar (database versions not stated): gnomAD exomes 0.00015 and 0.00039; ExAC 0.00037; 1000 Genomes Project 0.00079; 1000 Genomes Project 30x 0.00083; gnomAD 0.00113 and 0.00125; TOPMed 0.00113; ESP Exome Variant Server 0.00161.
gnomAD v4.1: 294 of 1,209,193 alleles (0.024%); highest among the groups gnomAD compares: African/African-American, 0.45%; 2 homozygotes.

Submissions (3):

CeGaT Center for Human Genetics Tuebingen
Classification: Likely benign. Last evaluated: 2025-11-01. Review status: criteria provided, single submitter. Criteria: CeGaT Center For Human Genetics Tuebingen Variant Classification Criteria Version 2. Collection method: clinical testing. Allele origin: germline. Affected: yes. Observed: 1 variant allele.
Comment: F8: BP4, BP7, BS2

Women's Health and Genetics/Laboratory Corporation of America, LabCorp
Classification: Likely benign. Last evaluated: 2024-08-27. Review status: criteria provided, single submitter. Criteria: LabCorp Variant Classification Summary - May 2015. Collection method: clinical testing. Allele origin: germline.

PreventionGenetics, part of Exact Sciences
Classification: Likely benign. Review status: criteria provided, single submitter. Criteria: ACMG Guidelines, 2015. Collection method: clinical testing. Allele origin: germline.

NM_000132.4(F8):c.2214C>T (p.Tyr738=)

Gene: F8 (coagulation factor VIII; minus strand). Cytogenetic location: Xq28.
Variant type: single nucleotide variant.
Coding change: c.2214C>T on transcript NM_000132.4 (MANE Select); coding-DNA position 2214, C replaced by T.
Protein change: p.Tyr738=; no amino-acid change (tyrosine 738 retained).
Molecular consequence: synonymous variant.
Genome position (GRCh38, 1-based): chrX:154,931,576, G>A on the plus strand (C>T on the coding strand, the complement: F8 is on the minus strand). VCF-style: chrX-154931576-G-A. GRCh37 (hg19) VCF-style: chrX-154159851-G-A.
Identifiers: ClinVar variation 255222 (VCV000255222.9), dbSNP rs78373805, ClinGen allele CA10568349.